The following is an entry in ClinVar:

NM_001330260.2(SCN8A):c.5903G>C (p.Arg1968Thr)

Gene: SCN8A (sodium voltage-gated channel alpha subunit 8; plus strand). Cytogenetic location: 12q13.13.
Variant type: single nucleotide variant.
Coding change: c.5903G>C on transcript NM_001330260.2 (MANE Select); coding-DNA position 5903, G replaced by C.
Protein change: p.Arg1968Thr; replaces arginine 1968 with threonine.
Molecular consequence: missense variant.
Genome position (GRCh38, 1-based): chr12:51,807,389, G>C. VCF-style: chr12-51807389-G-C. GRCh37 (hg19) VCF-style: chr12-52201173-G-C.
Other names: c.5780G>C, p.Arg1927Thr (NM_001177984.3, NM_001369788.1); c.5903G>C, p.Arg1968Thr (NM_014191.4); short protein forms R1927T, R1968T.
Identifiers: ClinVar variation 2183629 (VCV002183629.4), dbSNP rs754672110, ClinGen allele CA384890437.
Genomic context (GRCh38, chr12:51,807,389, plus strand): 5'-ACAGTGTAACTAAACCTGAAAAGGAGAAACAGCAGCGGGCAGAGGAAGGAAGAAGGGAAA[G>C]AGCCAAAAGACAAAAAGAGGTCAGAGAATCCAAGTGTTAGAGGAGAACAAAAATTCAGTA-3'
Protein context (NP_001317189.1, residues 1958-1978): QQRAEEGRRE[Arg1968Thr]AKRQKEVRES

ClinVar aggregate classification (germline): Uncertain significance (1 of 4 stars; one submission).

Conditions:
Early-infantile DEE. Also called: Early infantile epileptic encephalopathy with suppression bursts; Early infantile epileptic encephalopathy; Ohtahara syndrome. Identifiers: Orphanet 1934, MedGen C0393706, MONDO:0800491.

Submission:

Labcorp Genetics (formerly Invitae), Labcorp
Classification: Uncertain significance for Early-infantile DEE. Last evaluated: 2022-04-09. Review status: criteria provided, single submitter. Criteria: Invitae Variant Classification Sherloc (09022015). Collection method: clinical testing. Allele origin: germline.
Comment: Algorithms developed to predict the effect of missense changes on protein structure and function are either unavailable or do not agree on the potential impact of this missense change (SIFT: "Deleterious"; PolyPhen-2: "Benign"; Align-GVGD: "Class C0"). This sequence change replaces arginine, which is basic and polar, with threonine, which is neutral and polar, at codon 1968 of the SCN8A protein (p.Arg1968Thr). This variant is not present in population databases (gnomAD no frequency). This variant has not been reported in the literature in individuals affected with SCN8A-related conditions. In summary, the available evidence is currently insufficient to determine the role of this variant in disease. Therefore, it has been classified as a Variant of Uncertain Significance.